The following is an entry in ClinVar:

NM_003791.4(MBTPS1):c.17T>C (p.Ile6Thr)

Gene: MBTPS1 (membrane bound transcription factor peptidase, site 1; minus strand). Cytogenetic location: 16q24.1.
Variant type: single nucleotide variant.
Coding change: c.17T>C on transcript NM_003791.4 (MANE Select); coding-DNA position 17, T replaced by C.
Protein change: p.Ile6Thr; replaces isoleucine 6 with threonine.
Molecular consequence: missense variant.
Genome position (GRCh38, 1-based): chr16:84,101,767, A>G on the plus strand (T>C on the coding strand, the complement: MBTPS1 is on the minus strand). VCF-style: chr16-84101767-A-G. GRCh37 (hg19) VCF-style: chr16-84135372-A-G.
Other names: c.17T>C (NM_003791.3); short protein forms I6T.
Identifiers: ClinVar variation 1598351 (VCV001598351.33), dbSNP rs34701895, ClinGen allele CA8201930.

ClinVar aggregate classification (germline): Benign/Likely benign. Review status: criteria provided, multiple submitters, no conflicts (2 of 4 stars). 5 submissions from 5 submitters: Benign (2); Likely benign (2). 1 of the submissions does not count toward it. Last evaluated 2026-06-01.

Conditions:
Spondyloepiphyseal dysplasia, kondo-fu type. Also called: SED WITH ELEVATED BLOOD LYSOSOMAL ENZYMES; MBTPS1-Related Spondyloepimetaphyseal Dysplasia with Elevated Lysosomal Enzymes. Identifiers: MedGen C5193071, MONDO:0032721, OMIM 618392.
MBTPS1-related disorder. Also called: MBTPS1-related condition.

Allele frequency attached by ClinVar (database versions not stated): 1000 Genomes Project 30x 0.00297; 1000 Genomes Project 0.00319; ESP Exome Variant Server 0.00654; TOPMed 0.00668; gnomAD 0.00945 and 0.00995; ExAC 0.01009; gnomAD exomes 0.01032.
gnomAD v4.1: 15,051 of 1,613,522 alleles (0.93%); highest among the groups gnomAD compares: Middle Eastern, 1.7%; 101 homozygotes.

Submissions (5):

CeGaT Center for Human Genetics Tuebingen
Classification: Likely benign. Last evaluated: 2026-06-01. Review status: criteria provided, single submitter. Criteria: CeGaT Center For Human Genetics Tuebingen Variant Classification Criteria Version 2. Collection method: clinical testing. Allele origin: germline. Affected: yes. Observed: 7 variant alleles.
Comment: MBTPS1: BS2

Labcorp Genetics (formerly Invitae), Labcorp
Classification: Benign. Last evaluated: 2026-02-03. Review status: criteria provided, single submitter. Criteria: Invitae Variant Classification Sherloc (09022015). Collection method: clinical testing. Allele origin: germline.

Fulgent Genetics
Classification: Likely benign for Spondyloepiphyseal dysplasia, kondo-fu type. Last evaluated: 2022-01-13. Review status: criteria provided, single submitter. Criteria: ACMG Guidelines, 2015. Collection method: clinical testing. Allele origin: unknown.

Breakthrough Genomics
Classification: Benign. Review status: criteria provided, single submitter. Criteria: ACMG Guidelines, 2015. Collection method: not provided. Allele origin: germline. Inheritance: Autosomal recessive inheritance. Affected: yes.

PreventionGenetics, part of Exact Sciences
Classification: Benign for MBTPS1-related condition. Last evaluated: 2019-05-14. Review status: no assertion criteria provided. Collection method: clinical testing. Allele origin: germline. Not counted in ClinVar's aggregate classification.
Comment: This variant is classified as benign based on ACMG/AMP sequence variant interpretation guidelines (Richards et al. 2015 PMID: 25741868, with internal and published modifications).